The following is an entry in ClinVar:

NM_005144.5(HR):c.956C>T (p.Pro319Leu)

Gene: HR (HR lysine demethylase and nuclear receptor corepressor; minus strand). Cytogenetic location: 8p21.3.
Variant type: single nucleotide variant.
Coding change: c.956C>T on transcript NM_005144.5 (MANE Select); coding-DNA position 956, C replaced by T.
Protein change: p.Pro319Leu; replaces proline 319 with leucine.
Molecular consequence: missense variant.
Genome position (GRCh38, 1-based): chr8:22,127,486, G>A on the plus strand (C>T on the coding strand, the complement: HR is on the minus strand). VCF-style: chr8-22127486-G-A. GRCh37 (hg19) VCF-style: chr8-21984999-G-A.
Other names: c.956C>T, p.Pro319Leu (NM_018411.4); short protein forms P319L.
Identifiers: ClinVar variation 362527 (VCV000362527.10), dbSNP rs77758962, ClinGen allele CA4662597.
Genomic context (GRCh38, chr8:22,127,486, plus strand): 5'-CCAAGACCCCCACCTTTAGTGGGTGGGTAGGATGAACAGCAGCCCCGCTGGGTGACAGGC[G>A]GCTCAGGAGAGGGGCACCTTGGTGTTGCTGGTGGCCCCAGCTGGTACCCAAGGTTCCCAT-3'
Protein context (NP_005135.2, residues 309-329): PATPRCPSPE[Pro319Leu]PVTQRGCCSS

ClinVar aggregate classification (germline): Benign. Review status: criteria provided, multiple submitters, no conflicts (2 of 4 stars). 4 submissions from 3 submitters: Benign (4). Last evaluated 2026-02-02.

Conditions:
Atrichia with papular lesions (APL). Also called: PAPULAR ATRICHIA. Identifiers: Orphanet 86819, MedGen C1859592, MONDO:0008847, OMIM 209500.
Alopecia universalis congenita (ALUNC). Also called: ATRICHIA, GENERALIZED. Identifiers: Orphanet 701, MedGen C1859877, MONDO:0008757, OMIM 203655.

Allele frequency attached by ClinVar (database versions not stated): gnomAD exomes 0.01363; ExAC 0.01704; gnomAD 0.05072 and 0.05449; 1000 Genomes Project 0.05272; 1000 Genomes Project 30x 0.05497; TOPMed 0.05846; ESP Exome Variant Server 0.05883.
gnomAD v4.1: 15,703 of 1,611,396 alleles (0.97%); highest among the groups gnomAD compares: African/African-American, 18%; 1,264 homozygotes.

Submissions (4):

Labcorp Genetics (formerly Invitae), Labcorp
Classification: Benign. Last evaluated: 2026-02-02. Review status: criteria provided, single submitter. Criteria: Invitae Variant Classification Sherloc (09022015). Collection method: clinical testing. Allele origin: germline.

Illumina Laboratory Services, Illumina
Classification: Benign for Atrichia with papular lesions. Last evaluated: 2018-01-13. Review status: criteria provided, single submitter. Criteria: ICSL Variant Classification Criteria 13 December 2019. Collection method: clinical testing. Allele origin: germline.
Comment: This variant was observed in the ICSL laboratory as part of a predisposition screen in an ostensibly healthy population. It had not been previously curated by ICSL or reported in the Human Gene Mutation Database (HGMD: prior to June 1st, 2018), and was therefore a candidate for classification through an automated scoring system. Utilizing variant allele frequency, disease prevalence and penetrance estimates, and inheritance mode, an automated score was calculated to assess if this variant is too frequent to cause the disease. Based on the score and internal cut-off values, a variant classified as benign is not then subjected to further curation. The score for this variant resulted in a classification of benign for this disease.

Illumina Laboratory Services, Illumina
Classification: Benign for Alopecia universalis congenita. Last evaluated: 2018-01-13. Review status: criteria provided, single submitter. Criteria: ICSL Variant Classification Criteria 13 December 2019. Collection method: clinical testing. Allele origin: germline.
Comment: the same text as in the submission from Illumina Laboratory Services, Illumina above.

Breakthrough Genomics
Classification: Benign. Review status: criteria provided, single submitter. Criteria: ACMG Guidelines, 2015. Collection method: not provided. Allele origin: germline. Inheritance: Autosomal recessive inheritance. Affected: yes.